The following is an entry in ClinVar:

NM_001077365.2(POMT1):c.1255C>T (p.Gln419Ter)

Gene: POMT1 (protein O-mannosyltransferase 1; plus strand). Cytogenetic location: 9q34.13.
Variant type: single nucleotide variant.
Coding change: c.1255C>T on transcript NM_001077365.2 (MANE Select); coding-DNA position 1255, C replaced by T.
Protein change: p.Gln419Ter; replaces glutamine 419 with a stop codon.
Molecular consequence: nonsense. On other transcripts: non-coding transcript variant (10).
Genome position (GRCh38, 1-based): chr9:131,515,505, C>T. VCF-style: chr9-131515505-C-T. GRCh37 (hg19) VCF-style: chr9-134390892-C-T.
Other names: c.1093C>T, p.Gln365Ter (NM_001077366.2, NM_001353194.2); c.1255C>T, p.Gln419Ter (NM_001136113.2, NM_001374690.1); c.904C>T, p.Gln302Ter (NM_001136114.2, NM_001374692.1, NM_001374693.1 and 2 more transcripts); c.1321C>T, p.Gln441Ter (NM_001353193.2, NM_007171.4); c.865C>T, p.Gln289Ter (NM_001374695.1); c.1165C>T, p.Gln389Ter (NM_001353196.2); c.1159C>T, p.Gln387Ter (NM_001353197.2, NM_001353198.2); c.970C>T, p.Gln324Ter (NM_001353199.2); and 2 more; short protein forms Q267*, Q289*, Q302*, Q324*, Q365*, Q387*, Q389*, Q415*.
Identifiers: ClinVar variation 1120088 (VCV001120088.6), dbSNP rs745509085, ClinGen allele CA5293596.

ClinVar aggregate classification (germline): Pathogenic. Review status: criteria provided, multiple submitters, no conflicts (2 of 4 stars). 2 submissions from 2 submitters: Pathogenic (2). Last evaluated 2024-01-05.

Conditions:
Muscular dystrophy-dystroglycanopathy (congenital with brain and eye anomalies), type A1 (MDDGA1). Also called: COD-MD SYNDROME; WALKER-WARBURG SYNDROME OR MUSCLE-EYE-BRAIN DISEASE, POMT1-RELATED; Muscular dystrophy-dystroglycanopathy (congenital with brain and eye anomalies), type A, 1; Hydrocephalus, agyria and retinal dysplasia; Hard +/- E syndrome; Warburg syndrome. Identifiers: Orphanet 588, Orphanet 899, MedGen C4284790, MONDO:0009364, OMIM 236670.
Walker-Warburg congenital muscular dystrophy. Also called: Muscular dystrophy-dystroglycanopathy, type A; Walker-Warburg syndrome. Identifiers: Orphanet 899, MedGen C0265221, MONDO:0000171.

Allele frequency attached by ClinVar (database versions not stated): gnomAD exomes below 0.00001 and 0.00001; TOPMed below 0.00001; ExAC 0.00002.

Submissions (2):

Baylor Genetics
Classification: Pathogenic for Muscular dystrophy-dystroglycanopathy (congenital with brain and eye anomalies), type A1. Last evaluated: 2024-01-05. Review status: criteria provided, single submitter. Criteria: ACMG Guidelines, 2015. Collection method: clinical testing. Allele origin: unknown.

Laboratory for Molecular Medicine, Mass General Brigham Personalized Medicine
Classification: Pathogenic for Walker-Warburg congenital muscular dystrophy. Last evaluated: 2020-06-25. Review status: criteria provided, single submitter. Criteria: LMM Criteria. Collection method: clinical testing. Allele origin: germline. Inheritance: Autosomal recessive inheritance. Observed: 1 variant allele.
Comment: The p.Gln441X variant in POMT1 has been reported in 1 compound heterozygous individual with cobblestone lissencephaly (Devisme 2012 PMID: 22323514). It has also been identified in 0.002% (2/113758) of European chromosomes by gnomAD, which is low enough to be consistent with a recessive allele frequency. This nonsense variant leads to a premature termination codon at position 441, which is predicted to lead to a truncated or absent protein. Loss of function of the POMT1 gene is an established disease mechanism in autosomal recessive Walker-Warburg syndrome. In summary, this variant meets criteria to be classified as pathogenic for autosomal recessive Walker-Warburg syndrome. ACMG/AMP Criteria applied: PVS1, PM2, PM3.

Literature cited by the submitters: PubMed 22323514 (cited by Laboratory for Molecular Medicine, Mass General Brigham Personalized Medicine).